The following is an entry in ClinVar:

NM_000261.2(MYOC):c.952C>T (p.Leu318=)

Gene: MYOC (myocilin; minus strand). Cytogenetic location: 1q24.3.
Variant type: single nucleotide variant.
Coding change: c.952C>T on transcript NM_000261.2 (MANE Select); coding-DNA position 952, C replaced by T.
Protein change: p.Leu318=; no amino-acid change (leucine 318 retained).
Molecular consequence: synonymous variant.
Genome position (GRCh38, 1-based): chr1:171,636,488, G>A on the plus strand (C>T on the coding strand, the complement: MYOC is on the minus strand). VCF-style: chr1-171636488-G-A. GRCh37 (hg19) VCF-style: chr1-171605628-G-A.
Other names: NM_000261.2:c.952C>T.
Identifiers: ClinVar variation 2505288 (VCV002505288.2), dbSNP rs752488318, ClinGen allele CA1244113.

ClinVar aggregate classification (germline): Likely benign (3 of 4 stars; one submission).

Conditions:
Open-angle glaucoma. Identifiers: MedGen C0017612, MONDO:0005338, HP:0012108.

Allele frequency attached by ClinVar (database versions not stated): ExAC 0.00008; TOPMed below 0.00001.
gnomAD v4.1: 34 of 1,613,442 alleles (0.0021%); highest among the groups gnomAD compares: South Asian, 0.026%; no homozygotes.

Submission:

ClinGen Glaucoma Variant Curation Expert Panel
Classification: Likely benign for Open-angle glaucoma. Last evaluated: 2026-01-20. Review status: reviewed by expert panel. Criteria: ClinGen Glaucoma ACMG Specifications V2.0.0 Approved. Collection method: curation. Allele origin: germline. Inheritance: Autosomal dominant inheritance.
Comment: The c.952C>T variant in MYOC is a synonymous variant (p.Leu318=). The highest minor allele frequency of this variant was in the South Asian genetic ancestry group of gnomAD (v4.1.0) = 0.0002638 (24 alleles out of 90,992), which did not meet the PM2_Supporting allele frequency threshold (≤ 0.0001) or the BS1 allele frequency threshold (≥ 0.001). The SpliceAI score = 0.01, which met the ≤ 0.1 threshold for BP4, suggesting that the variant does not impact MYOC function. This synonymous variant meets BP4, so BP7 is met. There was no functional evidence predicting a damaging or benign impact of this variant on MYOC function. Although probands with primary open angle glaucoma have been reported carrying this variant, PM2_Supporting was not met, therefore PS4 did not apply. In summary, this variant met the criteria to receive a score of -2 and to be classified as likely benign (likely benign classification range -2 to -6, adapted from PMID: 32720330) for primary open angle glaucoma based on the ACMG/AMP criteria met, as specified by the ClinGen Glaucoma VCEP (v2.0.0, 5 Dec 2024): BP4, BP7.